The following is an entry in ClinVar:

NM_020297.4(ABCC9):c.346A>G (p.Thr116Ala)

Gene: ABCC9 (ATP binding cassette subfamily C member 9; minus strand). Cytogenetic location: 12p12.1.
Variant type: single nucleotide variant.
Coding change: c.346A>G on transcript NM_020297.4 (MANE Select); coding-DNA position 346, A replaced by G.
Protein change: p.Thr116Ala; replaces threonine 116 with alanine.
Molecular consequence: missense variant. On other transcripts: 5 prime UTR variant (1).
Genome position (GRCh38, 1-based): chr12:21,926,002, T>C on the plus strand (A>G on the coding strand, the complement: ABCC9 is on the minus strand). VCF-style: chr12-21926002-T-C. GRCh37 (hg19) VCF-style: chr12-22078936-T-C.
Other names: c.346A>G, p.Thr116Ala (NM_001377273.1, NM_005691.4); c.-109A>G (NM_001377274.1); short protein forms T116A.
Identifiers: ClinVar variation 4861102 (VCV004861102.1).

ClinVar aggregate classification (germline): Uncertain significance (1 of 4 stars; one submission).

Conditions:
Cardiovascular phenotype. Identifiers: MedGen CN230736.

Submission:

Ambry Genetics
Classification: Uncertain significance for Cardiovascular phenotype. Last evaluated: 2026-05-20. Review status: criteria provided, single submitter. Criteria: Ambry Variant Classification Scheme 2023. Collection method: clinical testing. Allele origin: germline.
Comment: The p.T116A variant (also known as c.346A>G), located in coding exon 3 of the ABCC9 gene, results from an A to G substitution at nucleotide position 346. The threonine at codon 116 is replaced by alanine, an amino acid with similar properties. This amino acid position is conserved. In addition, the in silico prediction for this alteration is inconclusive. Based on the available evidence, the clinical significance of this variant remains unclear.